The following is an entry in ClinVar:

NM_001008212.2(OPTN):c.236A>C (p.Gln79Pro)

Genes: OPTN (optineurin; plus strand), LOC108903148 (10p13 OPTN distal Alu-mediated recombination region; plus strand). Cytogenetic location: 10p13.
Variant type: single nucleotide variant.
Coding change: c.236A>C on transcript NM_001008212.2 (MANE Select); coding-DNA position 236, A replaced by C.
Protein change: p.Gln79Pro; replaces glutamine 79 with proline.
Molecular consequence: missense variant.
Genome position (GRCh38, 1-based): chr10:13,110,343, A>C. VCF-style: chr10-13110343-A-C. GRCh37 (hg19) VCF-style: chr10-13152343-A-C.
Other names: c.236A>C, p.Gln79Pro (NM_001008211.1, NM_001008213.1, NM_021980.4); short protein forms Q79P.
Identifiers: ClinVar variation 1790261 (VCV001790261.2), dbSNP rs1452457006, ClinGen allele CA376027455.

ClinVar aggregate classification (germline): Uncertain significance (1 of 4 stars; one submission).

Conditions:
Inborn genetic diseases. Identifiers: MedGen C0950123, MeSH D030342.

Allele frequency attached by ClinVar (database versions not stated): TOPMed below 0.00001; gnomAD 0.00001.
gnomAD v4.1: 8 of 1,614,070 alleles (0.0005%); highest among the groups gnomAD compares: South Asian, 0.0011%; no homozygotes.

Submission:

Ambry Genetics
Classification: Uncertain significance for Inborn genetic diseases. Last evaluated: 2019-12-30. Review status: criteria provided, single submitter. Criteria: Ambry Variant Classification Scheme 2023. Collection method: clinical testing. Allele origin: germline.
Comment: The p.Q79P variant (also known as c.236A>C), located in coding exon 2 of the OPTN gene, results from an A to C substitution at nucleotide position 236. The glutamine at codon 79 is replaced by proline, an amino acid with similar properties. This amino acid position is highly conserved in available vertebrate species. In addition, the in silico prediction for this alteration is inconclusive. Since supporting evidence is limited at this time, the clinical significance of this alteration remains unclear.